The following is an entry in ClinVar:

ClinVar aggregate classification (germline): Pathogenic (1 of 4 stars; one submission).

Conditions:
Neuropathy, hereditary sensory and autonomic, type 2A (HSAN2A). Also called: ACROOSTEOLYSIS, GIACCAI TYPE; ACROOSTEOLYSIS, NEUROGENIC; MORVAN DISEASE; NEUROPATHY, CONGENITAL SENSORY; NEUROPATHY, HEREDITARY SENSORY RADICULAR, AUTOSOMAL RECESSIVE; NEUROPATHY, HEREDITARY SENSORY, TYPE IIA. Identifiers: Orphanet 970, MedGen C2752089, MONDO:0024309, OMIM 201300.
Generalized epilepsy with febrile seizures plus, type 7 (GEFSP7). Also called: GEFS+, TYPE 7. Identifiers: Orphanet 36387, MedGen C2751778, MONDO:0013470, OMIM 613863.

gnomAD v4.1: 1 of 1,613,896 alleles (0.000062%); no homozygotes.

Submission:

Labcorp Genetics (formerly Invitae), Labcorp
Classification: Pathogenic for Neuropathy, hereditary sensory and autonomic, type 2A; Generalized epilepsy with febrile seizures plus, type 7. Last evaluated: 2025-11-20. Review status: criteria provided, single submitter. Criteria: Invitae Variant Classification Sherloc (09022015). Collection method: clinical testing. Allele origin: germline.
Comment: This sequence change creates a premature translational stop signal (p.Gln1352*) in the SCN9A gene. It is expected to result in an absent or disrupted protein product. Loss-of-function variants in SCN9A are known to be pathogenic (PMID: 17470132, 19304393). This variant is not present in population databases (gnomAD no frequency). This variant has not been reported in the literature in individuals affected with SCN9A-related conditions. Algorithms developed to predict the effect of sequence changes on RNA splicing suggest that this variant may disrupt the consensus splice site. For these reasons, this variant has been classified as Pathogenic.

Literature cited by the submitters: PubMed 17470132; PubMed 19304393.

NM_001365536.1(SCN9A):c.4087C>T (p.Gln1363Ter)

Genes: SCN1A-AS1 (SCN1A and SCN9A antisense RNA 1; plus strand), SCN9A (sodium voltage-gated channel alpha subunit 9; minus strand). Cytogenetic location: 2q24.3.
Variant type: single nucleotide variant.
Coding change: c.4087C>T on transcript NM_001365536.1 (MANE Select); coding-DNA position 4087, C replaced by T.
Protein change: p.Gln1363Ter; replaces glutamine 1363 with a stop codon.
Molecular consequence: nonsense.
Genome position (GRCh38, 1-based): chr2:166,228,810, G>A on the plus strand (C>T on the coding strand, the complement: SCN9A is on the minus strand). VCF-style: chr2-166228810-G-A. GRCh37 (hg19) VCF-style: chr2-167085320-G-A.
Other names: c.4054C>T, p.Gln1352Ter (NM_002977.4); short protein forms Q1352*, Q1363*.
Identifiers: ClinVar variation 4791983 (VCV004791983.1).